The following is an entry in ClinVar:

NM_002693.3(POLG):c.3586G>A (p.Asp1196Asn)

Gene: POLG (DNA polymerase gamma, catalytic subunit; minus strand). Cytogenetic location: 15q26.1.
Variant type: single nucleotide variant.
Coding change: c.3586G>A on transcript NM_002693.3 (MANE Select); coding-DNA position 3586, G replaced by A.
Protein change: p.Asp1196Asn; replaces aspartic acid 1196 with asparagine.
Molecular consequence: missense variant.
Genome position (GRCh38, 1-based): chr15:89,317,433, C>T on the plus strand (G>A on the coding strand, the complement: POLG is on the minus strand). VCF-style: chr15-89317433-C-T. GRCh37 (hg19) VCF-style: chr15-89860664-C-T.
Other names: p.D1196N:GAT>AAT; c.3586G>A, p.Asp1196Asn (NM_001126131.2); short protein forms D1196N.
Identifiers: ClinVar variation 206571 (VCV000206571.13), dbSNP rs765344513, ClinGen allele CA316786.

ClinVar aggregate classification (germline): Conflicting classifications of pathogenicity. Review status: criteria provided, conflicting classifications (1 of 4 stars). 5 submissions from 5 submitters: Uncertain significance (4); Likely benign (1). Last evaluated 2025-06-19.

Conditions:
Hereditary spastic paraplegia. Also called: Familial spastic paraparesis. Identifiers: Orphanet 685, MedGen C0037773, MONDO:0019064. Disease mechanism: loss of function.
Progressive sclerosing poliodystrophy (MTDPS4A). Also called: ALPERS DIFFUSE DEGENERATION OF CEREBRAL GRAY MATTER WITH HEPATIC CIRRHOSIS; Alpers-Huttenlocher Syndrome; ALPERS PROGRESSIVE INFANTILE POLIODYSTROPHY; NEURONAL DEGENERATION OF CHILDHOOD WITH LIVER DISEASE, PROGRESSIVE; Mitochondrial DNA Depletion Syndrome 4A; Alpers-Huttenlocher Syndrome (AHS). Identifiers: Orphanet 726, MedGen C0205710, MONDO:0008758, OMIM 203700.

Allele frequency attached by ClinVar (database versions not stated): gnomAD exomes below 0.00001 and 0.00001; TOPMed below 0.00001; ExAC 0.00001; gnomAD 0.00001.
gnomAD v4.1: 8 of 1,613,978 alleles (0.0005%); highest among the groups gnomAD compares: Non-Finnish European, 0.00068%; no homozygotes.

Submissions (5):

Women's Health and Genetics/Laboratory Corporation of America, LabCorp
Classification: Uncertain significance. Last evaluated: 2025-06-19. Review status: criteria provided, single submitter. Criteria: LabCorp Variant Classification Summary - May 2015. Collection method: clinical testing. Allele origin: germline.
Comment: Variant summary: POLG c.3586G>A (p.Asp1196Asn) results in a conservative amino acid change in the encoded protein sequence. Algorithms developed to predict the effect of missense changes on protein structure and function are either unavailable or do not agree on the potential impact of this missense change. The variant allele was found at a frequency of 4e-06 in 251494 control chromosomes. The available data on variant occurrences in the general population are insufficient to allow any conclusion about variant significance. c.3586G>A has been observed in the compound heterozygous sate in at least one individual affected with POLG-Related Spectrum Disorders (Wong_2008). These data do not allow any conclusion about variant significance. To our knowledge, no experimental evidence demonstrating an impact on protein function has been reported. The following publication have been ascertained in the context of this evaluation (PMID: 18546365). ClinVar contains an entry for this variant (Variation ID: 206571). Based on the evidence outlined above, the variant was classified as uncertain significance.

GeneDx
Classification: Uncertain significance. Last evaluated: 2024-08-26. Review status: criteria provided, single submitter. Criteria: GeneDx Variant Classification Process June 2021. Collection method: clinical testing. Allele origin: germline. Affected: yes.
Comment: In silico analysis supports that this missense variant has a deleterious effect on protein structure/function; Not observed at significant frequency in large population cohorts (gnomAD); Reported in an individual with developmental delay, short stature, and myopathy (PMID: 18546365); This variant is associated with the following publications: (PMID: 18546365)

Labcorp Genetics (formerly Invitae), Labcorp
Classification: Uncertain significance for Progressive sclerosing poliodystrophy. Last evaluated: 2023-08-10. Review status: criteria provided, single submitter. Criteria: Invitae Variant Classification Sherloc (09022015). Collection method: clinical testing. Allele origin: germline.
Comment: This variant is present in population databases (rs765344513, gnomAD 0.0009%). In summary, the available evidence is currently insufficient to determine the role of this variant in disease. Therefore, it has been classified as a Variant of Uncertain Significance. Advanced modeling of protein sequence and biophysical properties (such as structural, functional, and spatial information, amino acid conservation, physicochemical variation, residue mobility, and thermodynamic stability) has been performed at Invitae for this missense variant, however the output from this modeling did not meet the statistical confidence thresholds required to predict the impact of this variant on POLG protein function. ClinVar contains an entry for this variant (Variation ID: 206571). This missense change has been observed in individual(s) with clinical features of autosomal dominant POLG-related condition (PMID: 18546365). This sequence change replaces aspartic acid, which is acidic and polar, with asparagine, which is neutral and polar, at codon 1196 of the POLG protein (p.Asp1196Asn).

Genome Diagnostics Laboratory, The Hospital for Sick Children
Classification: Uncertain significance for Hereditary spastic paraplegia. Last evaluated: 2020-11-25. Review status: criteria provided, single submitter. Criteria: ACMG Guidelines, 2015. Collection method: clinical testing. Allele origin: germline. Affected: yes.

Wong Mito Lab, Molecular and Human Genetics, Baylor College of Medicine
Classification: Likely benign for Progressive sclerosing poliodystrophy. Last evaluated: 2018-10-01. Review status: criteria provided, single submitter. Criteria: ACMG Guidelines, 2015. Collection method: clinical testing. Allele origin: germline.
Comment: The NM_002693.2:c.3586G>A (NP_002684.1:p.Asp1196Asn) [GRCH38: NC_000015.10:g.89317433C>T] variant in POLG gene is interpretated to be a Likely Benign based on ACMG guidelines (PMID: 25741868). This variant meets the following evidence codes reported in the ACMG-guideline. BP4:Computational evidence/predictors indicate no impact on the POLG structure, function, or protein-protein interaction. BP6:Reputable source(s) without shared data suggest the variant is benign. Based on the evidence criteria codes applied, the variant is suggested to be Likely Benign.

Literature cited by the submitters: PubMed 18546365 (cited by Women's Health and Genetics/Laboratory Corporation of America, LabCorp and Labcorp Genetics (formerly Invitae), Labcorp).